The following is an entry in ClinVar:

ClinVar aggregate classification (germline): Uncertain significance. Review status: criteria provided, multiple submitters, no conflicts (2 of 4 stars). 2 submissions from 2 submitters: Uncertain significance (2). Last evaluated 2024-12-18.

Conditions:
Autosomal dominant osteopetrosis 1 (OPTA1). Also called: OSTEOPETROSIS, AUTOSOMAL DOMINANT, TYPE I. Identifiers: Orphanet 2783, MedGen C1843330, MONDO:0011877, OMIM 607634.
Polycystic liver disease 4 with or without kidney cysts. Identifiers: MedGen C4693479, MONDO:0044327, OMIM 617875.
Exudative vitreoretinopathy 4 (EVR4). Identifiers: Orphanet 891, MedGen C1866176, MONDO:0011151, OMIM 601813.
Osteoporosis with pseudoglioma (OPPG). Also called: osteoporosis-pseudoglioma syndrome. Identifiers: Orphanet 2788, MedGen C0432252, MONDO:0009820, OMIM 259770.
Bone mineral density quantitative trait locus 1 (BMND1). Identifiers: MedGen C1866079, OMIM 601884.
Worth disease. Also called: Autosomal dominant osteosclerosis, Worth type; ENDOSTEAL HYPEROSTOSIS, AUTOSOMAL DOMINANT; OSTEOSCLEROSIS, AUTOSOMAL DOMINANT. Identifiers: Orphanet 2790, MedGen C0432273, MONDO:0007764, OMIM 144750.

Allele frequency attached by ClinVar (database versions not stated): gnomAD exomes below 0.00001 and 0.00001; gnomAD 0.00001.
gnomAD v4.1: 4 of 1,614,042 alleles (0.00025%); highest among the groups gnomAD compares: Non-Finnish European, 0.00034%; no homozygotes.

Submissions (2):

Labcorp Genetics (formerly Invitae), Labcorp
Classification: Uncertain significance. Last evaluated: 2024-12-18. Review status: criteria provided, single submitter. Criteria: Invitae Variant Classification Sherloc (09022015). Collection method: clinical testing. Allele origin: germline.
Comment: This sequence change replaces threonine, which is neutral and polar, with isoleucine, which is neutral and non-polar, at codon 1014 of the LRP5 protein (p.Thr1014Ile). This variant is present in population databases (no rsID available, gnomAD 0.0009%). This variant has not been reported in the literature in individuals affected with LRP5-related conditions. ClinVar contains an entry for this variant (Variation ID: 1428324). Invitae Evidence Modeling of protein sequence and biophysical properties (such as structural, functional, and spatial information, amino acid conservation, physicochemical variation, residue mobility, and thermodynamic stability) indicates that this missense variant is not expected to disrupt LRP5 protein function with a negative predictive value of 95%. In summary, the available evidence is currently insufficient to determine the role of this variant in disease. Therefore, it has been classified as a Variant of Uncertain Significance.

Fulgent Genetics
Classification: Uncertain significance for Worth disease; Osteoporosis with pseudoglioma; Exudative vitreoretinopathy 4; Bone mineral density quantitative trait locus 1; Autosomal dominant osteopetrosis 1; Polycystic liver disease 4 with or without kidney cysts. Last evaluated: 2024-05-03. Review status: criteria provided, single submitter. Criteria: ACMG Guidelines, 2015. Collection method: clinical testing. Allele origin: germline.

NM_002335.4(LRP5):c.3041C>T (p.Thr1014Ile)

Gene: LRP5 (LDL receptor related protein 5; plus strand). Cytogenetic location: 11q13.2.
Variant type: single nucleotide variant.
Coding change: c.3041C>T on transcript NM_002335.4 (MANE Select); coding-DNA position 3041, C replaced by T.
Protein change: p.Thr1014Ile; replaces threonine 1014 with isoleucine.
Molecular consequence: missense variant.
Genome position (GRCh38, 1-based): chr11:68,423,502, C>T. VCF-style: chr11-68423502-C-T. GRCh37 (hg19) VCF-style: chr11-68190970-C-T.
Other names: c.1298C>T, p.Thr433Ile (NM_001291902.2); short protein forms T433I, T1014I.
Identifiers: ClinVar variation 1428324 (VCV001428324.9), dbSNP rs1360541726, ClinGen allele CA381620587.